The following is an entry in ClinVar:

NM_014336.5(AIPL1):c.884C>A (p.Pro295Gln)

Gene: AIPL1 (AIP like 1 HSP90 co-chaperone; minus strand). Cytogenetic location: 17p13.2.
Variant type: single nucleotide variant.
Coding change: c.884C>A on transcript NM_014336.5 (MANE Select); coding-DNA position 884, C replaced by A.
Protein change: p.Pro295Gln; replaces proline 295 with glutamine.
Molecular consequence: missense variant. On other transcripts: 3 prime UTR variant (1).
Genome position (GRCh38, 1-based): chr17:6,425,731, G>T on the plus strand (C>A on the coding strand, the complement: AIPL1 is on the minus strand). VCF-style: chr17-6425731-G-T. GRCh37 (hg19) VCF-style: chr17-6329051-G-T.
Other names: c.695C>A, p.Pro232Gln (NM_001033054.3); c.704C>A, p.Pro235Gln (NM_001033055.3); c.848C>A, p.Pro283Gln (NM_001285399.3); c.818C>A, p.Pro273Gln (NM_001285400.3); c.812C>A, p.Pro271Gln (NM_001285401.3); c.767C>A, p.Pro256Gln (NM_001285402.2); c.*855C>A (NM_001285403.4); short protein forms P232Q, P235Q, P256Q, P283Q, P271Q, P273Q, P295Q.
Identifiers: ClinVar variation 4030033 (VCV004030033.3).

ClinVar aggregate classification (germline): Uncertain significance. Review status: criteria provided, multiple submitters, no conflicts (2 of 4 stars). 2 submissions from 2 submitters: Uncertain significance (2). Last evaluated 2025-05-06.

Conditions:
Leber congenital amaurosis 4 (LCA4). Identifiers: MedGen C1858386, MONDO:0011458, OMIM 604393.
Inborn genetic diseases. Identifiers: MedGen C0950123, MeSH D030342.

Submissions (2):

Ambry Genetics
Classification: Uncertain significance for Inborn genetic diseases. Last evaluated: 2025-05-06. Review status: criteria provided, single submitter. Criteria: Ambry Variant Classification Scheme 2023. Collection method: clinical testing. Allele origin: germline.

Juno Genomics, Hangzhou Juno Genomics, Inc
Classification: Uncertain significance for Leber congenital amaurosis 4. Review status: criteria provided, single submitter. Criteria: ACMG Guidelines, 2015. Collection method: clinical testing. Allele origin: germline.
Comment: Absent from controls (or at extremely low frequency if recessive) in Genome Aggregation Database.;Multiple lines of computational evidence support a deleterious effect on the gene or gene product.